The following is an entry in ClinVar:

ClinVar aggregate classification (germline): Uncertain significance (1 of 4 stars; one submission).

gnomAD v4.1: 3 of 1,614,058 alleles (0.00019%); highest among the groups gnomAD compares: Non-Finnish European, 0.00025%; 1 homozygote.

Submission:

GeneDx
Classification: Uncertain significance. Last evaluated: 2024-07-24. Review status: criteria provided, single submitter. Criteria: GeneDx Variant Classification Process June 2021. Collection method: clinical testing. Allele origin: germline. Affected: yes.
Comment: Not observed at significant frequency in large population cohorts (gnomAD); In silico analysis indicates that this missense variant does not alter protein structure/function; Has not been previously published as pathogenic or benign to our knowledge

NM_016333.4(SRRM2):c.5746T>A (p.Ser1916Thr)

Gene: SRRM2 (serine/arginine repetitive matrix 2; plus strand). Cytogenetic location: 16p13.3.
Variant type: single nucleotide variant.
Coding change: c.5746T>A on transcript NM_016333.4 (MANE Select); coding-DNA position 5746, T replaced by A.
Protein change: p.Ser1916Thr; replaces serine 1916 with threonine.
Molecular consequence: missense variant.
Genome position (GRCh38, 1-based): chr16:2,766,274, T>A. VCF-style: chr16-2766274-T-A. GRCh37 (hg19) VCF-style: chr16-2816275-T-A.
Other names: short protein forms S1916T.
Identifiers: ClinVar variation 3600576 (VCV003600576.1).